The following is an entry in ClinVar:

ClinVar aggregate classification (germline): Likely benign (1 of 4 stars; one submission).

Allele frequency attached by ClinVar (database versions not stated): 1000 Genomes Project 30x 0.00234; 1000 Genomes Project 0.00240; TOPMed 0.00332; gnomAD 0.00361; ExAC 0.00368; ESP Exome Variant Server 0.00393; gnomAD exomes 0.00450.
gnomAD v4.1: 7,095 of 1,590,876 alleles (0.45%); highest among the groups gnomAD compares: Middle Eastern, 0.77%; 26 homozygotes.

Submission:

CeGaT Center for Human Genetics Tuebingen
Classification: Likely benign. Last evaluated: 2023-02-01. Review status: criteria provided, single submitter. Criteria: CeGaT Center For Human Genetics Tuebingen Variant Classification Criteria Version 2. Collection method: clinical testing. Allele origin: germline. Affected: yes. Observed: 1 variant allele.
Comment: EAF1: BP4, BS2

NM_033083.7(EAF1):c.725G>A (p.Arg242Gln)

Gene: EAF1 (ELL associated factor 1; plus strand). Cytogenetic location: 3p25.1.
Variant type: single nucleotide variant.
Coding change: c.725G>A on transcript NM_033083.7 (MANE Select); coding-DNA position 725, G replaced by A.
Protein change: p.Arg242Gln; replaces arginine 242 with glutamine.
Molecular consequence: missense variant.
Genome position (GRCh38, 1-based): chr3:15,436,540, G>A. VCF-style: chr3-15436540-G-A. GRCh37 (hg19) VCF-style: chr3-15478047-G-A.
Other names: short protein forms R242Q.
Identifiers: ClinVar variation 2653597 (VCV002653597.24), dbSNP rs144767041, ClinGen allele CA2275701.